The following is an entry in ClinVar:

ClinVar aggregate classification (germline): Uncertain significance (1 of 4 stars; one submission).

Conditions:
DYRK1A-related intellectual disability syndrome (MRD7). Also called: DYRK1A Syndrome; Intellectual developmental disorder, autosomal dominant 7. Identifiers: Orphanet 464306, MedGen C5568143, MONDO:0013578, OMIM 614104.

Submission:

Labcorp Genetics (formerly Invitae), Labcorp
Classification: Uncertain significance for DYRK1A-related intellectual disability syndrome. Last evaluated: 2022-11-16. Review status: criteria provided, single submitter. Criteria: Invitae Variant Classification Sherloc (09022015). Collection method: clinical testing. Allele origin: germline.
Comment: In summary, the available evidence is currently insufficient to determine the role of this variant in disease. Therefore, it has been classified as a Variant of Uncertain Significance. Advanced modeling of protein sequence and biophysical properties (such as structural, functional, and spatial information, amino acid conservation, physicochemical variation, residue mobility, and thermodynamic stability) performed at Invitae indicates that this missense variant is not expected to disrupt DYRK1A protein function. This variant has not been reported in the literature in individuals affected with DYRK1A-related conditions. This variant is not present in population databases (gnomAD no frequency). This sequence change replaces threonine, which is neutral and polar, with serine, which is neutral and polar, at codon 252 of the DYRK1A protein (p.Thr252Ser).

NM_001347721.2(DYRK1A):c.728C>G (p.Thr243Ser)

Gene: DYRK1A (dual specificity tyrosine phosphorylation regulated kinase 1A; plus strand). Cytogenetic location: 21q22.13.
Variant type: single nucleotide variant.
Coding change: c.728C>G on transcript NM_001347721.2 (MANE Select); coding-DNA position 728, C replaced by G.
Protein change: p.Thr243Ser; replaces threonine 243 with serine.
Molecular consequence: missense variant.
Genome position (GRCh38, 1-based): chr21:37,490,265, C>G. VCF-style: chr21-37490265-C-G. GRCh37 (hg19) VCF-style: chr21-38862567-C-G.
Other names: c.755C>G, p.Thr252Ser (NM_130438.2, NM_001396.5, NM_101395.2); c.728C>G, p.Thr243Ser (NM_001347722.2, NM_130436.2); c.641C>G, p.Thr214Ser (NM_001347723.2); short protein forms T243S, T214S, T252S.
Identifiers: ClinVar variation 2814636 (VCV002814636.3), dbSNP rs2518027980, ClinGen allele CA409947490.